The following is an entry in ClinVar:

ClinVar aggregate classification (germline): Uncertain significance (0 of 4 stars; one submission).

Conditions:
KMT2D-related disorder. Also called: KMT2D-Related Disorders.

Submission:

PreventionGenetics, part of Exact Sciences
Classification: Uncertain significance for KMT2D-related condition. Last evaluated: 2023-11-28. Review status: no assertion criteria provided. Collection method: clinical testing. Allele origin: germline.
Comment: The KMT2D c.15539T>C variant is predicted to result in the amino acid substitution p.Val5180Ala. To our knowledge, this variant has not been reported in the literature or in a large population database, indicating this variant is rare. At this time, the clinical significance of this variant is uncertain due to the absence of conclusive functional and genetic evidence.

NM_003482.4(KMT2D):c.15539T>C (p.Val5180Ala)

Gene: KMT2D (lysine methyltransferase 2D; minus strand). Cytogenetic location: 12q13.12.
Variant type: single nucleotide variant.
Coding change: c.15539T>C on transcript NM_003482.4 (MANE Select); coding-DNA position 15539, T replaced by C.
Protein change: p.Val5180Ala; replaces valine 5180 with alanine.
Molecular consequence: missense variant.
Genome position (GRCh38, 1-based): chr12:49,026,427, A>G on the plus strand (T>C on the coding strand, the complement: KMT2D is on the minus strand). VCF-style: chr12-49026427-A-G. GRCh37 (hg19) VCF-style: chr12-49420210-A-G.
Other names: short protein forms V5180A.
Identifiers: ClinVar variation 3049623 (VCV003049623.2), dbSNP rs2137716006, ClinGen allele CA384687057.